The following is an entry in ClinVar:

NM_004415.4(DSP):c.7629del (p.Phe2544fs)

Gene: DSP (desmoplakin; plus strand). Cytogenetic location: 6p24.3.
Variant type: Deletion.
Coding change: c.7629del on transcript NM_004415.4 (MANE Select); coding-DNA position 7629, one base deleted (C; older notation c.7629delC).
Protein change: p.Phe2544fs; shifts the reading frame from phenylalanine 2544.
Molecular consequence: frameshift variant.
Genome position (GRCh38, 1-based): chr6:7,584,891, C deleted. VCF-style (leftmost placement, unchanged base first): chr6-7584890-TC-T. GRCh37 (hg19) VCF-style: chr6-7585123-TC-T.
Other names: c.5832del, p.Phe1945fs (NM_001008844.3); c.6300del, p.Phe2101fs (NM_001319034.2); short protein forms F1945fs, F2101fs, F2544fs.
Identifiers: ClinVar variation 4756376 (VCV004756376.1).

ClinVar aggregate classification (germline): Likely pathogenic (1 of 4 stars; one submission).

Conditions:
Cardiomyopathy (CMYO). Also called: Cardiomyopathies. Identifiers: Orphanet 167848, MedGen C0878544, MONDO:0004994, HP:0001638. Inheritance: Various modes of inheritance.

Submission:

Color Diagnostics, LLC DBA Color Health
Classification: Likely pathogenic for Cardiomyopathy. Last evaluated: 2025-09-23. Review status: criteria provided, single submitter. Criteria: ACMG Guidelines, 2015. Collection method: clinical testing. Allele origin: germline.
Comment: This variant deletes 1 nucleotide in exon 24 of the DSP gene, creating a frameshift and premature translation stop signal. This variant is predicted to escape nonsense-mediated decay and be expressed as a truncated protein. Although functional studies have not been reported, this variant is expected to disrupt the plakin repeat domain C (a.a. 2609-2822). Plakin repeat domains and downstream C-terminal sequence have been reported to be essential for interaction with intermediate filaments (PMID: 12101406, 12802069, 21756917). In addition, truncating variants occurring downstream of this variant are known to cause disease (ClinVar variation ID: 41759, 3075387). To our knowledge, this variant has not been reported in individuals affected with DSP-related disorders in the literature. This variant has not been identified in the general population by the Genome Aggregation Database (gnomAD). Loss of DSP function is a known mechanism of disease. Based on the available evidence, this variant is classified as Likely Pathogenic.

Literature cited by the submitters: PubMed 12101406; PubMed 12802069; PubMed 21756917.